The following is an entry in ClinVar:

NM_006767.4(LZTR1):c.402G>A (p.Gly134=)

Gene: LZTR1 (leucine zipper like post translational regulator 1; plus strand). Cytogenetic location: 22q11.21.
Variant type: single nucleotide variant.
Coding change: c.402G>A on transcript NM_006767.4 (MANE Select); coding-DNA position 402, G replaced by A.
Protein change: p.Gly134=; no amino-acid change (glycine 134 retained).
Molecular consequence: synonymous variant.
Genome position (GRCh38, 1-based): chr22:20,988,011, G>A. VCF-style: chr22-20988011-G-A. GRCh37 (hg19) VCF-style: chr22-21342300-G-A.
Other names: c.402G>A (NM_006767.3).
Identifiers: ClinVar variation 1638659 (VCV001638659.9), dbSNP rs1477219115, ClinGen allele CA513489225.

ClinVar aggregate classification (germline): Conflicting classifications of pathogenicity. Review status: criteria provided, conflicting classifications (1 of 4 stars). 2 submissions from 2 submitters: Uncertain significance (1); Likely benign (1). Last evaluated 2024-12-06.

Conditions:
Hereditary cancer-predisposing syndrome. Also called: Hereditary Cancer Syndrome; Neoplastic Syndromes, Hereditary; Tumor predisposition; Hereditary neoplastic syndrome. Identifiers: Orphanet 140162, MedGen C0027672, MeSH D009386, MONDO:0015356.
Cardiovascular phenotype. Identifiers: MedGen CN230736.

Allele frequency attached by ClinVar (database versions not stated): gnomAD exomes below 0.00001; TOPMed below 0.00001.
gnomAD v4.1: 8 of 1,578,124 alleles (0.00051%); highest among the groups gnomAD compares: East Asian, 0.0045%; no homozygotes.

Submissions (2):

Labcorp Genetics (formerly Invitae), Labcorp
Classification: Likely benign. Last evaluated: 2024-12-06. Review status: criteria provided, single submitter. Criteria: Invitae Variant Classification Sherloc (09022015). Collection method: clinical testing. Allele origin: germline.

Ambry Genetics
Classification: Uncertain significance for Cardiovascular phenotype; Hereditary cancer-predisposing syndrome. Last evaluated: 2024-11-25. Review status: criteria provided, single submitter. Criteria: Ambry Variant Classification Scheme 2023. Collection method: clinical testing. Allele origin: germline.
Comment: The c.402G>A variant (also known as p.G134G), located in coding exon 5 of the LZTR1 gene, results from a G to A substitution at nucleotide position 402. This nucleotide substitution does not change the amino acid at codon 134. This nucleotide position is not well conserved in available vertebrate species. In silico splice site analysis predicts that this alteration may result in the creation or strengthening of a novel splice acceptor site. Based on the available evidence, the clinical significance of this variant remains unclear.